The following is an entry in ClinVar:

NM_002528.7(NTHL1):c.32G>T (p.Arg11Leu)

Gene: NTHL1 (nth like DNA glycosylase 1; minus strand). Cytogenetic location: 16p13.3.
Variant type: single nucleotide variant.
Coding change: c.32G>T on transcript NM_002528.7 (MANE Select); coding-DNA position 32, G replaced by T.
Protein change: p.Arg11Leu; replaces arginine 11 with leucine.
Molecular consequence: missense variant. On other transcripts: 5 prime UTR variant (1).
Genome position (GRCh38, 1-based): chr16:2,047,792, C>A on the plus strand (G>T on the coding strand, the complement: NTHL1 is on the minus strand). VCF-style: chr16-2047792-C-A. GRCh37 (hg19) VCF-style: chr16-2097793-C-A.
Other names: c.32G>T, p.Arg11Leu (NM_001318193.2); c.-147G>T (NM_001318194.2); c.56G>T (NM_002528.5); short protein forms R11L.
Identifiers: ClinVar variation 836356 (VCV000836356.9), dbSNP rs372992221, ClinGen allele CA394298564.

ClinVar aggregate classification (germline): Uncertain significance. Review status: criteria provided, multiple submitters, no conflicts (2 of 4 stars). 2 submissions from 2 submitters: Uncertain significance (2). Last evaluated 2025-05-13.

Conditions:
Hereditary cancer-predisposing syndrome. Also called: Hereditary neoplastic syndrome; Neoplastic Syndromes, Hereditary; Tumor predisposition; Hereditary Cancer Syndrome. Identifiers: Orphanet 140162, MedGen C0027672, MeSH D009386, MONDO:0015356.

Submissions (2):

Labcorp Genetics (formerly Invitae), Labcorp
Classification: Uncertain significance. Last evaluated: 2025-05-13. Review status: criteria provided, single submitter. Criteria: Invitae Variant Classification Sherloc (09022015). Collection method: clinical testing. Allele origin: germline.
Comment: This sequence change replaces arginine, which is basic and polar, with leucine, which is neutral and non-polar, at codon 19 of the NTHL1 protein (p.Arg19Leu). This variant is not present in population databases (gnomAD no frequency). This variant has not been reported in the literature in individuals affected with NTHL1-related conditions. ClinVar contains an entry for this variant (Variation ID: 836356). An algorithm developed to predict the effect of missense changes on protein structure and function (PolyPhen-2) suggests that this variant is likely to be disruptive. In summary, the available evidence is currently insufficient to determine the role of this variant in disease. Therefore, it has been classified as a Variant of Uncertain Significance.

Ambry Genetics
Classification: Uncertain significance for Hereditary cancer-predisposing syndrome. Last evaluated: 2024-09-30. Review status: criteria provided, single submitter. Criteria: Ambry Variant Classification Scheme 2023. Collection method: clinical testing. Allele origin: germline.
Comment: The p.R19L variant (also known as c.56G>T), located in coding exon 1 of the NTHL1 gene, results from a G to T substitution at nucleotide position 56. The arginine at codon 19 is replaced by leucine, an amino acid with dissimilar properties. This amino acid position is conserved. In addition, this alteration is predicted to be tolerated by in silico analysis. Based on the available evidence, the clinical significance of this variant remains unclear.